The following is an entry in ClinVar:

ClinVar aggregate classification (germline): Uncertain significance (1 of 4 stars; one submission).

Submission:

GeneDx
Classification: Uncertain significance. Last evaluated: 2025-03-13. Review status: criteria provided, single submitter. Criteria: GeneDx Variant Classification Process June 2021. Collection method: clinical testing. Allele origin: germline.
Comment: Not observed at significant frequency in large population cohorts (gnomAD); In silico analysis supports that this missense variant has a deleterious effect on protein structure/function; Has not been previously published as pathogenic or benign to our knowledge

NM_001070.5(TUBG1):c.968T>A (p.Ile323Asn)

Gene: TUBG1 (tubulin gamma 1; plus strand). Cytogenetic location: 17q21.2.
Variant type: single nucleotide variant.
Coding change: c.968T>A on transcript NM_001070.5 (MANE Select); coding-DNA position 968, T replaced by A.
Protein change: p.Ile323Asn; replaces isoleucine 323 with asparagine.
Molecular consequence: missense variant.
Genome position (GRCh38, 1-based): chr17:42,614,384, T>A. VCF-style: chr17-42614384-T-A. GRCh37 (hg19) VCF-style: chr17-40766402-T-A.
Other names: short protein forms I323N.
Identifiers: ClinVar variation 3369306 (VCV003369306.2).
Genomic context (GRCh38, chr17:42,614,384, plus strand): 5'-TGATGGTGTCCACAGGCCGAGACCGCCAGACCAACCACTGCTACATCGCCATCCTCAACA[T>A]CATCCAGGGAGAGGTGGACCCCACCCAGGTAGGGGAGGCCCCTTCATCCCACACCCTGGA-3'
Protein context (NP_001061.2, residues 313-333): TNHCYIAILN[Ile323Asn]IQGEVDPTQV